The following is an entry in ClinVar:

NC_000012.11:g.(?_122958044)_(122985387_?)dup

Gene: ZCCHC8 (zinc finger CCHC-type containing 8; minus strand). Cytogenetic location: 12q24.31.
Variant type: Duplication.
Identifiers: ClinVar variation 3244428 (VCV003244428.1).

ClinVar aggregate classification (germline): Uncertain significance (1 of 4 stars; one submission).

Submission:

Labcorp Genetics (formerly Invitae), Labcorp
Classification: Uncertain significance. Last evaluated: 2023-03-13. Review status: criteria provided, single submitter. Criteria: Invitae Variant Classification Sherloc (09022015). Collection method: clinical testing. Allele origin: unknown.
Comment: In summary, the available evidence is currently insufficient to determine the role of this variant in disease. Therefore, it has been classified as a Variant of Uncertain Significance. Experimental studies and prediction algorithms are not available or were not evaluated, and the functional significance of this variant is currently unknown. This variant has not been reported in the literature in individuals affected with ZCCHC8-related conditions. A copy number gain of the genomic region encompassing the full coding sequence of the ZCCHC8 gene has been identified. The boundaries of this event are unknown as they extend beyond the assayed region for this gene and therefore may encompass additional genes. As the precise location of this event is unknown, it may be in tandem or it may be located elsewhere in the genome.